The following is an entry in ClinVar:

NM_000264.5(PTCH1):c.2417T>A (p.Val806Asp)

Genes: PTCH1 (patched 1; minus strand), LOC100507346 (uncharacterized LOC100507346; plus strand). Cytogenetic location: 9q22.32.
Variant type: single nucleotide variant.
Coding change: c.2417T>A on transcript NM_000264.5 (MANE Select); coding-DNA position 2417, T replaced by A.
Protein change: p.Val806Asp; replaces valine 806 with aspartic acid.
Molecular consequence: missense variant. On other transcripts: non-coding transcript variant (1).
Genome position (GRCh38, 1-based): chr9:95,467,259, A>T on the plus strand (T>A on the coding strand, the complement: PTCH1 is on the minus strand). VCF-style: chr9-95467259-A-T. GRCh37 (hg19) VCF-style: chr9-98229541-A-T.
Other names: c.2219T>A, p.Val740Asp (NM_001083602.3); c.2414T>A, p.Val805Asp (NM_001083603.3); c.1964T>A, p.Val655Asp (NM_001083604.3, NM_001083605.3, NM_001083606.3 and 1 more transcripts); c.2261T>A, p.Val754Asp (NM_001354918.2); short protein forms V655D, V740D, V754D, V805D, V806D.
Identifiers: ClinVar variation 4676240 (VCV004676240.1).
Genomic context (GRCh38, chr9:95,467,259, plus strand): 5'-AAACTCCTGTGTAGGTCGTAAAGTAAGTGCTGGATATTCGGGTAGTCTGCTTTCTGGGTG[A>T]CTATATACATGTTGTAGAAAGAAAAGTATTTGAATTGTGCAGCAATAAAGTCATATTCTC-3'
Protein context (NP_000255.2, residues 796-816): KYFSFYNMYI[Val806Asp]TQKADYPNIQ

ClinVar aggregate classification (germline): Uncertain significance (1 of 4 stars; one submission).

Conditions:
Hereditary cancer-predisposing syndrome. Also called: Neoplastic Syndromes, Hereditary; Tumor predisposition; Hereditary Cancer Syndrome; Hereditary neoplastic syndrome. Identifiers: Orphanet 140162, MedGen C0027672, MeSH D009386, MONDO:0015356.

Submission:

Ambry Genetics
Classification: Uncertain significance for Hereditary cancer-predisposing syndrome. Last evaluated: 2025-12-10. Review status: criteria provided, single submitter. Criteria: Ambry Variant Classification Scheme 2023. Collection method: clinical testing. Allele origin: germline.
Comment: The p.V806D variant (also known as c.2417T>A), located in coding exon 15 of the PTCH1 gene, results from a T to A substitution at nucleotide position 2417. The valine at codon 806 is replaced by aspartic acid, an amino acid with highly dissimilar properties. This amino acid position is conserved. In addition, this alteration is predicted to be deleterious by in silico analysis. Based on the available evidence, the clinical significance of this variant remains unclear.